The following is an entry in ClinVar:

ClinVar aggregate classification (germline): Uncertain significance (1 of 4 stars; one submission).

Submission:

Labcorp Genetics (formerly Invitae), Labcorp
Classification: Uncertain significance. Last evaluated: 2023-07-10. Review status: criteria provided, single submitter. Criteria: Invitae Variant Classification Sherloc (09022015). Collection method: clinical testing. Allele origin: germline.
Comment: In summary, the available evidence is currently insufficient to determine the role of this variant in disease. Therefore, it has been classified as a Variant of Uncertain Significance. Advanced modeling of protein sequence and biophysical properties (such as structural, functional, and spatial information, amino acid conservation, physicochemical variation, residue mobility, and thermodynamic stability) performed at Invitae indicates that this missense variant is not expected to disrupt TAB2 protein function. ClinVar contains an entry for this variant (Variation ID: 1369684). This variant has not been reported in the literature in individuals affected with TAB2-related conditions. This variant is not present in population databases (gnomAD no frequency). This sequence change replaces alanine, which is neutral and non-polar, with threonine, which is neutral and polar, at codon 530 of the TAB2 protein (p.Ala530Thr).

NM_001292034.3(TAB2):c.1588G>A (p.Ala530Thr)

Genes: TAB2 (TGF-beta activated kinase 1 (MAP3K7) binding protein 2; plus strand), LOC126859827 (BRD4-independent group 4 enhancer GRCh37_chr6:149699707-149700906; plus strand). Cytogenetic location: 6q25.1.
Variant type: single nucleotide variant.
Coding change: c.1588G>A on transcript NM_001292034.3 (MANE Select); coding-DNA position 1588, G replaced by A.
Protein change: p.Ala530Thr; replaces alanine 530 with threonine.
Molecular consequence: missense variant.
Genome position (GRCh38, 1-based): chr6:149,379,503, G>A. VCF-style: chr6-149379503-G-A. GRCh37 (hg19) VCF-style: chr6-149700639-G-A.
Other names: c.1492G>A, p.Ala498Thr (NM_001292035.3); c.1588G>A, p.Ala530Thr (NM_001369506.1, NM_015093.6); short protein forms A498T, A530T.
Identifiers: ClinVar variation 1369684 (VCV001369684.8), dbSNP rs1781538783, ClinGen allele CA366000270.